The following is an entry in ClinVar:

ClinVar aggregate classification (germline): Uncertain significance. Review status: criteria provided, multiple submitters, no conflicts (2 of 4 stars). 3 submissions from 3 submitters: Uncertain significance (3). Last evaluated 2025-12-08.

Conditions:
Cardiomyopathy (CMYO). Also called: Cardiomyopathies. Identifiers: Orphanet 167848, MedGen C0878544, MONDO:0004994, HP:0001638. Inheritance: Various modes of inheritance.
Arrhythmogenic right ventricular cardiomyopathy (ARVD). Also called: Arrhythmogenic cardiomyopathy; Cardiomyopathy, ARVC; Arrhythmogenic right ventricular dysplasia; Arrhythmogenic Right Ventricular Cardiomyopathy (ARVC). Identifiers: Orphanet 247, MedGen C0349788, MeSH D019571, MONDO:0016587. Disease mechanism: loss of function. Inheritance: Various modes of inheritance.
Arrhythmogenic right ventricular dysplasia 10. Also called: Arrhythmogenic Right Ventricular Dysplasia/Cardiomyopathy10; ARRHYTHMOGENIC RIGHT VENTRICULAR DYSPLASIA, FAMILIAL, 10; Arrhythmogenic right ventricular dysplasia/cardiomyopathy, type 10. Identifiers: MedGen C1857777, MONDO:0012434, OMIM 610193.

Allele frequency attached by ClinVar (database versions not stated): TOPMed 0.00001; gnomAD 0.00002; ExAC 0.00003.
gnomAD v4.1: 24 of 1,613,886 alleles (0.0015%); highest among the groups gnomAD compares: South Asian, 0.014%; no homozygotes.

Submissions (3):

Labcorp Genetics (formerly Invitae), Labcorp
Classification: Uncertain significance for Arrhythmogenic right ventricular dysplasia 10. Last evaluated: 2025-12-08. Review status: criteria provided, single submitter. Criteria: Invitae Variant Classification Sherloc (09022015). Collection method: clinical testing. Allele origin: germline.
Comment: This sequence change replaces serine, which is neutral and polar, with leucine, which is neutral and non-polar, at codon 999 of the DSG2 protein (p.Ser999Leu). This variant is present in population databases (rs762717195, gnomAD 0.03%). This variant has not been reported in the literature in individuals affected with DSG2-related conditions. ClinVar contains an entry for this variant (Variation ID: 925892). Invitae Evidence Modeling of protein sequence and biophysical properties (such as structural, functional, and spatial information, amino acid conservation, physicochemical variation, residue mobility, and thermodynamic stability) indicates that this missense variant is not expected to disrupt DSG2 protein function with a negative predictive value of 95%. In summary, the available evidence is currently insufficient to determine the role of this variant in disease. Therefore, it has been classified as a Variant of Uncertain Significance.

All of Us Research Program, National Institutes of Health
Classification: Uncertain significance for Arrhythmogenic right ventricular cardiomyopathy. Last evaluated: 2024-08-06. Review status: criteria provided, single submitter. Criteria: ACMG Guidelines, 2015. Collection method: clinical testing. Allele origin: germline. Inheritance: Autosomal dominant inheritance. Observed: 5 variant alleles, 5 heterozygotes.
Comment: This missense variant replaces serine with leucine at codon 999 of the DSG2 protein. Computational prediction suggests that this variant may not impact protein structure and function (internally defined REVEL score threshold <= 0.5, PMID: 27666373). Splice site prediction tools suggest that this variant may not impact RNA splicing. To our knowledge, functional studies have not been reported for this variant. This variant has not been reported in individuals affected with cardiovascular disorders in the literature. This variant has been identified in 12/280612 chromosomes in the general population by the Genome Aggregation Database (gnomAD). The available evidence is insufficient to determine the role of this variant in disease conclusively. Therefore, this variant is classified as a Variant of Uncertain Significance.

This study involves interpretation of variants in research participants for the purpose of population health screening. Participant phenotype was not available at the time of variant classification. Additional details can be found in publication PMID: 35346344, PMCID: PMC8962531

Color Diagnostics, LLC DBA Color Health
Classification: Uncertain significance for Cardiomyopathy. Last evaluated: 2024-03-07. Review status: criteria provided, single submitter. Criteria: ACMG Guidelines, 2015. Collection method: clinical testing. Allele origin: germline.
Comment: This missense variant replaces serine with leucine at codon 999 of the DSG2 protein. Computational prediction suggests that this variant may not impact protein structure and function (internally defined REVEL score threshold <= 0.5, PMID: 27666373). To our knowledge, functional studies have not been reported for this variant. This variant has not been reported in individuals affected with DSG2-related disorders in the literature. This variant has been identified in 12/280612 chromosomes in the general population by the Genome Aggregation Database (gnomAD). The available evidence is insufficient to determine the role of this variant in disease conclusively. Therefore, this variant is classified as a Variant of Uncertain Significance.

NM_001943.5(DSG2):c.2996C>T (p.Ser999Leu)

Genes: DSG2 (desmoglein 2; plus strand), DSG2-AS1 (DSG2 antisense RNA 1; minus strand). Cytogenetic location: 18q12.1.
Variant type: single nucleotide variant.
Coding change: c.2996C>T on transcript NM_001943.5 (MANE Select); coding-DNA position 2996, C replaced by T.
Protein change: p.Ser999Leu; replaces serine 999 with leucine.
Molecular consequence: missense variant.
Genome position (GRCh38, 1-based): chr18:31,546,382, C>T. VCF-style: chr18-31546382-C-T. GRCh37 (hg19) VCF-style: chr18-29126345-C-T.
Other names: short protein forms S999L.
Identifiers: ClinVar variation 925892 (VCV000925892.9), dbSNP rs762717195, ClinGen allele CA047675.